The following is an entry in ClinVar:

NM_001384732.1(CPLANE1):c.6596T>C (p.Leu2199Pro)

Gene: CPLANE1 (ciliogenesis and planar polarity effector complex subunit 1; minus strand). Cytogenetic location: 5p13.2.
Variant type: single nucleotide variant.
Coding change: c.6596T>C on transcript NM_001384732.1 (MANE Select); coding-DNA position 6596, T replaced by C.
Protein change: p.Leu2199Pro; replaces leucine 2199 with proline.
Molecular consequence: missense variant.
Genome position (GRCh38, 1-based): chr5:37,169,428, A>G on the plus strand (T>C on the coding strand, the complement: CPLANE1 is on the minus strand). VCF-style: chr5-37169428-A-G. GRCh37 (hg19) VCF-style: chr5-37169530-A-G.
Other names: c.6596T>C, p.Leu2199Pro (NM_023073.4); short protein forms L2199P.
Identifiers: ClinVar variation 2129250 (VCV002129250.4), dbSNP rs1383914163, ClinGen allele CA359480243.

ClinVar aggregate classification (germline): Uncertain significance (1 of 4 stars; one submission).

Allele frequency attached by ClinVar (database versions not stated): gnomAD exomes below 0.00001; TOPMed below 0.00001.
gnomAD v4.1: 1 of 1,614,214 alleles (0.000062%); highest among the groups gnomAD compares: Admixed American, 0.0017%; no homozygotes.

Submission:

Labcorp Genetics (formerly Invitae), Labcorp
Classification: Uncertain significance. Last evaluated: 2022-04-22. Review status: criteria provided, single submitter. Criteria: Invitae Variant Classification Sherloc (09022015). Collection method: clinical testing. Allele origin: germline.
Comment: This variant is present in population databases (no rsID available, gnomAD 0.003%). In summary, the available evidence is currently insufficient to determine the role of this variant in disease. Therefore, it has been classified as a Variant of Uncertain Significance. Advanced modeling of protein sequence and biophysical properties (such as structural, functional, and spatial information, amino acid conservation, physicochemical variation, residue mobility, and thermodynamic stability) performed at Invitae indicates that this missense variant is expected to disrupt CPLANE1 protein function. This variant has not been reported in the literature in individuals affected with CPLANE1-related conditions. This sequence change replaces leucine, which is neutral and non-polar, with proline, which is neutral and non-polar, at codon 2199 of the CPLANE1 protein (p.Leu2199Pro).